The following is an entry in ClinVar:

NM_174936.4(PCSK9):c.1012G>A (p.Ala338Thr)

Gene: PCSK9 (proprotein convertase subtilisin/kexin type 9; plus strand). Cytogenetic location: 1p32.3.
Variant type: single nucleotide variant.
Coding change: c.1012G>A on transcript NM_174936.4 (MANE Select); coding-DNA position 1012, G replaced by A.
Protein change: p.Ala338Thr; replaces alanine 338 with threonine.
Molecular consequence: missense variant. On other transcripts: non-coding transcript variant (7).
Genome position (GRCh38, 1-based): chr1:55,057,346, G>A. VCF-style: chr1-55057346-G-A. GRCh37 (hg19) VCF-style: chr1-55523019-G-A.
Other names: c.1135G>A, p.Ala379Thr (NM_001407240.1); c.1012G>A, p.Ala338Thr (NM_001407241.1, NM_001407244.1, NM_001407247.1); c.1015G>A, p.Ala339Thr (NM_001407242.1); c.955G>A, p.Ala319Thr (NM_001407243.1); c.820G>A, p.Ala274Thr (NM_001407245.1); c.637G>A, p.Ala213Thr (NM_001407246.1); short protein forms A213T, A274T, A379T, A319T, A338T, A339T.
Identifiers: ClinVar variation 3929788 (VCV003929788.1).

ClinVar aggregate classification (germline): Uncertain significance (1 of 4 stars; one submission).

Conditions:
Cardiovascular phenotype. Identifiers: MedGen CN230736.

Submission:

Ambry Genetics
Classification: Uncertain significance for Cardiovascular phenotype. Last evaluated: 2025-04-14. Review status: criteria provided, single submitter. Criteria: Ambry Variant Classification Scheme 2023. Collection method: clinical testing. Allele origin: germline.
Comment: The p.A338T variant (also known as c.1012G>A), located in coding exon 7 of the PCSK9 gene, results from a G to A substitution at nucleotide position 1012. The alanine at codon 338 is replaced by threonine, an amino acid with similar properties. This amino acid position is conserved. In addition, this alteration is predicted to be deleterious by in silico analysis. Based on the available evidence, the clinical significance of this variant remains unclear.